The following is an entry in ClinVar:

NM_001113378.2(FANCI):c.1293+2T>G

Gene: FANCI (FA complementation group I; plus strand). Cytogenetic location: 15q26.1.
Variant type: single nucleotide variant.
Coding change: c.1293+2T>G on transcript NM_001113378.2 (MANE Select); the canonical splice donor site of the intron after coding-DNA position 1293, T replaced by G.
Molecular consequence: splice donor variant.
Genome position (GRCh38, 1-based): chr15:89,276,893, T>G. VCF-style: chr15-89276893-T-G. GRCh37 (hg19) VCF-style: chr15-89820124-T-G.
Other names: c.1293+2T>G (NM_018193.3, NM_001376911.1); c.1014+2T>G (NM_001376910.1).
Identifiers: ClinVar variation 2845036 (VCV002845036.3), dbSNP rs2506456334, ClinGen allele CA393742662.

ClinVar aggregate classification (germline): Likely pathogenic (1 of 4 stars; one submission).

Conditions:
Fanconi anemia (FA). Also called: Fanconi's anemia. Identifiers: Orphanet 84, MedGen C0015625, MeSH D005199, MONDO:0019391.

Allele frequency attached by ClinVar (database versions not stated): gnomAD exomes below 0.00001.
gnomAD v4.1: 1 of 1,614,108 alleles (0.000062%); highest among the groups gnomAD compares: Non-Finnish European, 0.000085%; no homozygotes.

Submission:

Labcorp Genetics (formerly Invitae), Labcorp
Classification: Likely pathogenic for Fanconi anemia. Last evaluated: 2022-10-31. Review status: criteria provided, single submitter. Criteria: Invitae Variant Classification Sherloc (09022015). Collection method: clinical testing. Allele origin: germline.
Comment: This sequence change affects a donor splice site in intron 13 of the FANCI gene. It is expected to disrupt RNA splicing. Variants that disrupt the donor or acceptor splice site typically lead to a loss of protein function (PMID: 16199547), and loss-of-function variants in FANCI are known to be pathogenic (PMID: 17452773, 17460694). This variant is not present in population databases (gnomAD no frequency). This variant has not been reported in the literature in individuals affected with FANCI-related conditions. Algorithms developed to predict the effect of sequence changes on RNA splicing suggest that this variant may disrupt the consensus splice site. In summary, the currently available evidence indicates that the variant is pathogenic, but additional data are needed to prove that conclusively. Therefore, this variant has been classified as Likely Pathogenic.

Literature cited by the submitters: PubMed 16199547; PubMed 17452773; PubMed 17460694.